The following is an entry in ClinVar:

ClinVar aggregate classification (germline): Likely pathogenic (1 of 4 stars; one submission).

gnomAD v4.1: 1 of 1,613,436 alleles (0.000062%); highest among the groups gnomAD compares: Non-Finnish European, 0.000085%; no homozygotes.

Submission:

Labcorp Genetics (formerly Invitae), Labcorp
Classification: Likely pathogenic. Last evaluated: 2023-06-27. Review status: criteria provided, single submitter. Criteria: Invitae Variant Classification Sherloc (09022015). Collection method: clinical testing. Allele origin: germline.
Comment: This sequence change affects a donor splice site in intron 14 of the ADAMTSL4 gene. It is expected to disrupt RNA splicing. Variants that disrupt the donor or acceptor splice site typically lead to a loss of protein function (PMID: 16199547), and loss-of-function variants in ADAMTSL4 are known to be pathogenic (PMID: 20564469, 28642162). This variant is not present in population databases (gnomAD no frequency). This variant has not been reported in the literature in individuals affected with ADAMTSL4-related conditions. Algorithms developed to predict the effect of sequence changes on RNA splicing suggest that this variant may disrupt the consensus splice site. In summary, the currently available evidence indicates that the variant is pathogenic, but additional data are needed to prove that conclusively. Therefore, this variant has been classified as Likely Pathogenic.

Literature cited by the submitters: PubMed 16199547; PubMed 20564469; PubMed 28642162.

NM_019032.6(ADAMTSL4):c.2382+1G>T

Gene: ADAMTSL4 (ADAMTS like 4; plus strand). Cytogenetic location: 1q21.2.
Variant type: single nucleotide variant.
Coding change: c.2382+1G>T on transcript NM_019032.6 (MANE Select); the canonical splice donor site of the intron after coding-DNA position 2382, G replaced by T.
Molecular consequence: splice donor variant.
Genome position (GRCh38, 1-based): chr1:150,558,150, G>T. VCF-style: chr1-150558150-G-T. GRCh37 (hg19) VCF-style: chr1-150530626-G-T.
Other names: c.2451+1G>T (NM_001288608.2); c.2265+1G>T (NM_001288607.2); c.2382+1G>T (NM_001378596.1, NM_025008.5).
Identifiers: ClinVar variation 2811969 (VCV002811969.3), dbSNP rs1672396241, ClinGen allele CA342315013.